The following is an entry in ClinVar:

NM_005631.5(SMO):c.1939C>T (p.Pro647Ser)

Gene: SMO (smoothened, frizzled class receptor; plus strand). Cytogenetic location: 7q32.1.
Variant type: single nucleotide variant.
Coding change: c.1939C>T on transcript NM_005631.5 (MANE Select); coding-DNA position 1939, C replaced by T.
Protein change: p.Pro647Ser; replaces proline 647 with serine.
Molecular consequence: missense variant.
Genome position (GRCh38, 1-based): chr7:129,212,026, C>T. VCF-style: chr7-129212026-C-T. GRCh37 (hg19) VCF-style: chr7-128851867-C-T.
Other names: c.1939C>T, p.Pro647Ser (LRG_1393t1); short protein forms P647S.
Identifiers: ClinVar variation 135575 (VCV000135575.30), dbSNP rs34545616, ClinGen allele CA163025.

ClinVar aggregate classification (germline): Benign/Likely benign. Review status: criteria provided, multiple submitters, no conflicts (2 of 4 stars). 6 submissions from 6 submitters: Benign (1); Likely benign (4). 1 of the submissions does not count toward it. Last evaluated 2026-05-01.

Conditions:
Congenital hypothalamic hamartoma syndrome. Also called: PALLISTER-HALL-LIKE SYNDROME. Identifiers: MedGen C5435677, MONDO:0009436, OMIM 241800.

Allele frequency attached by ClinVar (database versions not stated): ESP Exome Variant Server 0.00577; gnomAD 0.00579 and 0.00571; TOPMed 0.00634; ExAC 0.00872; 1000 Genomes Project 30x 0.00297; 1000 Genomes Project 0.00300; gnomAD exomes 0.00503.

Submissions (6):

CeGaT Center for Human Genetics Tuebingen
Classification: Likely benign. Last evaluated: 2026-05-01. Review status: criteria provided, single submitter. Criteria: CeGaT Center For Human Genetics Tuebingen Variant Classification Criteria Version 2. Collection method: clinical testing. Allele origin: germline. Affected: yes. Observed: 7 variant alleles.
Comment: SMO: BS2

Molecular Genetics, Royal Melbourne Hospital
Classification: Likely benign for Congenital hypothalamic hamartoma syndrome. Last evaluated: 2023-05-04. Review status: criteria provided, single submitter. Criteria: ACMG Guidelines, 2015. Collection method: clinical testing. Allele origin: germline. Affected: yes.
Comment: European Non-Finnish population allele frequency is 0.7881% (rs34545616, 1071/212758 alleles, 3 homozygotes in gnomAD v2.1). Based on the classification scheme RMH Modified ACMG/AMP Guidelines v1.5.1, this variant is classified as LIKELY BENIGN. Following criteria are met: BS1

Labcorp Genetics (formerly Invitae), Labcorp
Classification: Benign. Last evaluated: 2019-12-31. Review status: criteria provided, single submitter. Criteria: Invitae Variant Classification Sherloc (09022015). Collection method: clinical testing. Allele origin: germline.

Center for Pediatric Genomic Medicine, Children's Mercy Hospital and Clinics
Classification: Likely benign. Last evaluated: 2017-09-01. Review status: criteria provided, single submitter. Criteria: ACMG Guidelines, 2015. Collection method: clinical testing. Allele origin: germline.

Breakthrough Genomics
Classification: Likely benign. Review status: criteria provided, single submitter. Criteria: ACMG Guidelines, 2015. Collection method: not provided. Allele origin: germline. Inheritance: Autosomal recessive inheritance. Affected: yes.

ITMI
No classification provided. Condition: AllHighlyPenetrant. Last evaluated: 2013-09-19. Review status: no classification provided. Collection method: reference population. Allele origin: germline. Not counted in ClinVar's aggregate classification.
Comment: Please see associated publication for description of ethnicities

Literature cited by the submitters: PubMed 24728327 (cited by ITMI).